The following is an entry in ClinVar:

ClinVar aggregate classification (germline): Uncertain significance (1 of 4 stars; one submission).

gnomAD v4.1: 3 of 1,614,132 alleles (0.00019%); highest among the groups gnomAD compares: Non-Finnish European, 0.00025%; no homozygotes.

Submission:

Ambry Genetics
Classification: Uncertain significance. Last evaluated: 2024-06-26. Review status: criteria provided, single submitter. Criteria: Ambry Variant Classification Scheme 2023. Collection method: clinical testing. Allele origin: germline.
Comment: The p.C847W variant (also known as c.2541T>G), located in coding exon 20 of the A2ML1 gene, results from a T to G substitution at nucleotide position 2541. The cysteine at codon 847 is replaced by tryptophan, an amino acid with highly dissimilar properties. This amino acid position is conserved. In addition, the in silico prediction for this alteration is inconclusive. Based on the available evidence, the clinical significance of this variant remains unclear.

NM_144670.6(A2ML1):c.2541T>G (p.Cys847Trp)

Gene: A2ML1 (alpha-2-macroglobulin like 1; plus strand). Cytogenetic location: 12p13.31.
Variant type: single nucleotide variant.
Coding change: c.2541T>G on transcript NM_144670.6 (MANE Select); coding-DNA position 2541, T replaced by G.
Protein change: p.Cys847Trp; replaces cysteine 847 with tryptophan.
Molecular consequence: missense variant.
Genome position (GRCh38, 1-based): chr12:8,852,287, T>G. VCF-style: chr12-8852287-T-G. GRCh37 (hg19) VCF-style: chr12-9004883-T-G.
Other names: c.1068T>G, p.Cys356Trp (NM_001282424.3); short protein forms C847W, C356W.
Identifiers: ClinVar variation 3510264 (VCV003510264.1).
Genomic context (GRCh38, chr12:8,852,287, plus strand): 5'-TAAATCGCATGAGTACCAGCTAGAATCATGGGCAGATTCTCAGACCTCCAGTTGTCTCTG[T>G]GCTGATGACGCAAAAACCCACCACTGGAACATCACAGCTGTCAAATTGGGTAAGAGAGGG-3'
Protein context (NP_653271.3, residues 837-857): WADSQTSSCL[Cys847Trp]ADDAKTHHWN